The following is an entry in ClinVar:

NM_005188.4(CBL):c.869+3C>G

Gene: CBL (Cbl proto-oncogene; plus strand). Cytogenetic location: 11q23.3.
Variant type: single nucleotide variant.
Coding change: c.869+3C>G on transcript NM_005188.4 (MANE Select); 3 bases into the intron after coding-DNA position 869, C replaced by G.
Molecular consequence: intron variant.
Genome position (GRCh38, 1-based): chr11:119,274,956, C>G. VCF-style: chr11-119274956-C-G. GRCh37 (hg19) VCF-style: chr11-119145666-C-G.
Identifiers: ClinVar variation 4747543 (VCV004747543.1).

ClinVar aggregate classification (germline): Uncertain significance (1 of 4 stars; one submission).

Conditions:
RASopathy. Also called: Noonan spectrum disorder; rasopathies. Identifiers: Orphanet 536391, MedGen C5555857, MONDO:0021060.

gnomAD v4.1: 1 of 1,613,408 alleles (0.000062%); highest among the groups gnomAD compares: Non-Finnish European, 0.000085%; no homozygotes.

Submission:

Labcorp Genetics (formerly Invitae), Labcorp
Classification: Uncertain significance for RASopathy. Last evaluated: 2025-05-21. Review status: criteria provided, single submitter. Criteria: Invitae Variant Classification Sherloc (09022015). Collection method: clinical testing. Allele origin: germline.
Comment: This sequence change falls in intron 5 of the CBL gene. It does not directly change the encoded amino acid sequence of the CBL protein. It affects a nucleotide within the consensus splice site. This variant is not present in population databases (gnomAD no frequency). This variant has not been reported in the literature in individuals affected with CBL-related conditions. Variants that disrupt the consensus splice site are a relatively common cause of aberrant splicing (PMID: 17576681, 9536098). Algorithms developed to predict the effect of sequence changes on RNA splicing suggest that this variant is not likely to affect RNA splicing. In summary, the available evidence is currently insufficient to determine the role of this variant in disease. Therefore, it has been classified as a Variant of Uncertain Significance.

Literature cited by the submitters: PubMed 17576681; PubMed 9536098.